The following is an entry in ClinVar:

NM_000038.6(APC):c.1323del (p.Val442fs)

Gene: APC (APC regulator of Wnt signaling pathway; plus strand). Cytogenetic location: 5q22.2.
Variant type: Deletion.
Coding change: c.1323del on transcript NM_000038.6 (MANE Select); coding-DNA position 1323, one base deleted (T; older notation c.1323delT).
Protein change: p.Val442fs; shifts the reading frame from valine 442.
Molecular consequence: frameshift variant.
Genome position (GRCh38, 1-based): chr5:112,821,906, T deleted. VCF-style (leftmost placement, unchanged base first): chr5-112821905-CT-C. GRCh37 (hg19) VCF-style: chr5-112157602-CT-C.
Other names: c.1323del, p.Val442fs (NM_001127510.3, NM_001354895.2, NM_001354896.2); c.1269del, p.Val424fs (NM_001127511.3); c.1353del, p.Val452fs (NM_001354897.2); c.1248del, p.Val417fs (NM_001354898.2); c.1239del, p.Val414fs (NM_001354899.2); c.1146del, p.Val383fs (NM_001354900.2, NM_001354901.2); c.1050del, p.Val351fs (NM_001354902.2); c.1020del, p.Val341fs (NM_001354903.2); and 3 more; short protein forms V159fs, V282fs, V414fs, V417fs, V442fs, V316fs, V383fs, V452fs.
Identifiers: ClinVar variation 642240 (VCV000642240.10), dbSNP rs1580541855, ClinGen allele CA915942597.

ClinVar aggregate classification (germline): Pathogenic (1 of 4 stars; one submission).

Conditions:
Familial adenomatous polyposis 1 (FAP1). Also called: FAMILIAL ADENOMATOUS POLYPOSIS 1, ATTENUATED; POLYPOSIS, ADENOMATOUS INTESTINAL. Identifiers: MedGen C2713442, MONDO:0021056, OMIM 175100. Disease mechanism: loss of function.

Submission:

Labcorp Genetics (formerly Invitae), Labcorp
Classification: Pathogenic for Familial adenomatous polyposis 1. Last evaluated: 2018-12-17. Review status: criteria provided, single submitter. Criteria: Invitae Variant Classification Sherloc (09022015). Collection method: clinical testing. Allele origin: germline.
Comment: For these reasons, this variant has been classified as Pathogenic. Loss-of-function variants in APC are known to be pathogenic (PMID: 17963004, 20685668). This variant has been observed to segregate with familial adenomatous polyposis in a family (PMID: 8733048). This variant is not present in population databases (ExAC no frequency). This sequence change creates a premature translational stop signal (p.Val442Leufs*12) in the APC gene. It is expected to result in an absent or disrupted protein product.

Literature cited by the submitters: PubMed 17963004; PubMed 20685668; PubMed 8733048.